The following is an entry in ClinVar:

NM_005032.7(PLS3):c.808G>A (p.Glu270Lys)

Gene: PLS3 (plastin 3; plus strand). Cytogenetic location: Xq23.
Variant type: single nucleotide variant.
Coding change: c.808G>A on transcript NM_005032.7 (MANE Select); coding-DNA position 808, G replaced by A.
Protein change: p.Glu270Lys; replaces glutamic acid 270 with lysine.
Molecular consequence: missense variant.
Genome position (GRCh38, 1-based): chrX:115,636,895, G>A. VCF-style: chrX-115636895-G-A. GRCh37 (hg19) VCF-style: chrX-114871207-G-A.
Other names: c.808G>A, p.Glu270Lys (NM_001136025.5); c.727G>A, p.Glu243Lys (NM_001172335.3); c.742G>A, p.Glu248Lys (NM_001282337.2); c.673G>A, p.Glu225Lys (NM_001282338.2); short protein forms E270K, E225K, E243K, E248K.
Identifiers: ClinVar variation 2637923 (VCV002637923.2), dbSNP rs2521471111, ClinGen allele CA414334389.

ClinVar aggregate classification (germline): Likely pathogenic. Review status: criteria provided, single submitter (1 of 4 stars). 2 submissions from 2 submitters: Likely pathogenic (1). 1 of the submissions does not count toward it. Last evaluated 2024-03-03.

Conditions:
Hernia, anterior diaphragmatic (DIH5). Identifiers: Orphanet 2140, MedGen C1844025, MONDO:0010606, OMIM 306950.

Submissions (2):

SIB Swiss Institute of Bioinformatics
Classification: Likely pathogenic for Hernia, anterior diaphragmatic. Last evaluated: 2024-03-03. Review status: criteria provided, single submitter. Criteria: ACMG Guidelines, 2015. Collection method: curation. Allele origin: unknown. Affected: yes.
Comment: This variant is interpreted for Diaphragmatic hernia 5, X-linked. The following ACMG Tag(s) were applied: Absent from controls (or at extremely low frequency if recessive) in gnomAD (PM2). Cosegregation with disease in multiple affected family members (PP1-strong). Multiple lines of computational evidence support a deleterious effect on the gene or gene product (PP3).

OMIM
Classification: Pathogenic for DIAPHRAGMATIC HERNIA 5, X-LINKED. Last evaluated: 2023-11-15. Review status: no assertion criteria provided. Collection method: literature only. Allele origin: germline. Not counted in ClinVar's aggregate classification.

Literature cited by the submitters: PubMed 37751738 (cited by SIB Swiss Institute of Bioinformatics and OMIM).